The following is an entry in ClinVar:

NM_005859.5(PURA):c.494G>A (p.Gly165Asp)

Gene: PURA (purine rich element binding protein A; plus strand). Cytogenetic location: 5q31.3.
Variant type: single nucleotide variant.
Coding change: c.494G>A on transcript NM_005859.5 (MANE Select); coding-DNA position 494, G replaced by A.
Protein change: p.Gly165Asp; replaces glycine 165 with aspartic acid.
Molecular consequence: missense variant.
Genome position (GRCh38, 1-based): chr5:140,114,675, G>A. VCF-style: chr5-140114675-G-A. GRCh37 (hg19) VCF-style: chr5-139494260-G-A.
Other names: short protein forms G165D.
Identifiers: ClinVar variation 1309267 (VCV001309267.2), dbSNP rs2126749144, ClinGen allele CA361490900.

ClinVar aggregate classification (germline): Uncertain significance (1 of 4 stars; one submission).

Submission:

GeneDx
Classification: Uncertain significance. Last evaluated: 2019-10-29. Review status: criteria provided, single submitter. Criteria: GeneDx Variant Classification Process June 2021. Collection method: clinical testing. Allele origin: germline. Affected: yes.
Comment: Not observed in large population cohorts (Lek et al., 2016); In silico analysis, which includes protein predictors and evolutionary conservation, supports a deleterious effect; Has not been previously published as pathogenic or benign to our knowledge